The following is an entry in ClinVar:

NM_000245.4(MET):c.4002G>T (p.Val1334=)

Gene: MET (MET proto-oncogene, receptor tyrosine kinase; plus strand). Cytogenetic location: 7q31.2.
Variant type: single nucleotide variant.
Coding change: c.4002G>T on transcript NM_000245.4 (MANE Select); coding-DNA position 4002, G replaced by T.
Protein change: p.Val1334=; no amino-acid change (valine 1334 retained).
Molecular consequence: synonymous variant.
Genome position (GRCh38, 1-based): chr7:116,795,953, G>T. VCF-style: chr7-116795953-G-T. GRCh37 (hg19) VCF-style: chr7-116436007-G-T.
Other names: c.4056G>T, p.Val1352= (NM_001127500.3); c.2712G>T, p.Val904= (NM_001324402.2); c.4056G>T (NM_001127500.1).
Identifiers: ClinVar variation 1093076 (VCV001093076.11), dbSNP rs1214651018, ClinGen allele CA457462533.

ClinVar aggregate classification (germline): Benign/Likely benign. Review status: criteria provided, multiple submitters, no conflicts (2 of 4 stars). 3 submissions from 3 submitters: Benign (1); Likely benign (2). Last evaluated 2025-04-17.

Conditions:
Hereditary cancer-predisposing syndrome. Also called: Hereditary Cancer Syndrome; Neoplastic Syndromes, Hereditary; Hereditary neoplastic syndrome; Tumor predisposition. Identifiers: Orphanet 140162, MedGen C0027672, MeSH D009386, MONDO:0015356.
Renal cell carcinoma. Identifiers: Orphanet 217071, MedGen C0007134, MeSH D002292, MONDO:0005086, HP:0005584.
Papillary renal cell carcinoma type 1 (RCCP1). Also called: RENAL CELL CARCINOMA, PAPILLARY, 1, SOMATIC; Renal adenocarcinoma; Renal cell carcinoma 1; Renal cell carcinoma, somatic. Identifiers: Orphanet 47044, MedGen C1336839, OMIM 605074, HP:0011797.

Allele frequency attached by ClinVar (database versions not stated): gnomAD exomes below 0.00001.
gnomAD v4.1: 7 of 1,614,140 alleles (0.00043%); highest among the groups gnomAD compares: Non-Finnish European, 0.00059%; no homozygotes.

Submissions (3):

Ambry Genetics
Classification: Likely benign for Hereditary cancer-predisposing syndrome. Last evaluated: 2025-04-17. Review status: criteria provided, single submitter. Criteria: Ambry Variant Classification Scheme 2023. Collection method: clinical testing. Allele origin: germline.

Myriad Genetics, Inc.
Classification: Benign for Papillary renal cell carcinoma type 1. Last evaluated: 2024-11-14. Review status: criteria provided, single submitter. Criteria: Myriad Autosomal Dominant, Autosomal Recessive and X-Linked Classification Criteria (2023). Collection method: clinical testing. Allele origin: unknown.
Comment: This variant is considered benign. This variant is a silent/synonymous amino acid change and it is not expected to impact splicing.

Labcorp Genetics (formerly Invitae), Labcorp
Classification: Likely benign for Renal cell carcinoma. Last evaluated: 2022-03-13. Review status: criteria provided, single submitter. Criteria: Invitae Variant Classification Sherloc (09022015). Collection method: clinical testing. Allele origin: germline.